The following is an entry in ClinVar:

ClinVar aggregate classification (germline): Uncertain significance (1 of 4 stars; one submission).

Conditions:
Hereditary spastic paraplegia 39 (SPG39). Also called: Spastic Paraplegia Type 39 (SPG39); SPASTIC PARAPLEGIA 39, AUTOSOMAL RECESSIVE. Identifiers: Orphanet 139480, MedGen C2677586, MONDO:0012787, OMIM 612020.

Allele frequency attached by ClinVar (database versions not stated): gnomAD exomes 0.00001.
gnomAD v4.1: 9 of 1,613,282 alleles (0.00056%); highest among the groups gnomAD compares: East Asian, 0.0067%; no homozygotes.

Submission:

Labcorp Genetics (formerly Invitae), Labcorp
Classification: Uncertain significance for Hereditary spastic paraplegia 39. Last evaluated: 2024-01-03. Review status: criteria provided, single submitter. Criteria: Invitae Variant Classification Sherloc (09022015). Collection method: clinical testing. Allele origin: germline.
Comment: This sequence change replaces alanine, which is neutral and non-polar, with threonine, which is neutral and polar, at codon 1108 of the PNPLA6 protein (p.Ala1108Thr). This variant is not present in population databases (gnomAD no frequency). This variant has not been reported in the literature in individuals affected with PNPLA6-related conditions. ClinVar contains an entry for this variant (Variation ID: 2183315). Advanced modeling of protein sequence and biophysical properties (such as structural, functional, and spatial information, amino acid conservation, physicochemical variation, residue mobility, and thermodynamic stability) performed at Invitae indicates that this missense variant is expected to disrupt PNPLA6 protein function with a positive predictive value of 95%. In summary, the available evidence is currently insufficient to determine the role of this variant in disease. Therefore, it has been classified as a Variant of Uncertain Significance.

NM_001166114.2(PNPLA6):c.3436G>A (p.Ala1146Thr)

Gene: PNPLA6 (patatin like domain 6, lysophospholipase; plus strand). Cytogenetic location: 19p13.2.
Variant type: single nucleotide variant.
Coding change: c.3436G>A on transcript NM_001166114.2 (MANE Select); coding-DNA position 3436, G replaced by A.
Protein change: p.Ala1146Thr; replaces alanine 1146 with threonine.
Molecular consequence: missense variant.
Genome position (GRCh38, 1-based): chr19:7,558,888, G>A. VCF-style: chr19-7558888-G-A. GRCh37 (hg19) VCF-style: chr19-7623774-G-A.
Other names: c.3466G>A, p.Ala1156Thr (NM_001166111.2); c.3241G>A, p.Ala1081Thr (NM_001166112.2); c.3322G>A, p.Ala1108Thr (NM_001166113.1, NM_006702.5); short protein forms A1156T, A1081T, A1108T, A1146T.
Identifiers: ClinVar variation 2183315 (VCV002183315.3), dbSNP rs2512570522, ClinGen allele CA403134590.
Genomic context (GRCh38, chr19:7,558,888, plus strand): 5'-GCTGACCCCCCTGGCCCCACAGCGGACATCGCCCGCAGCATGGGTGCCAAAACGGTCATC[G>A]CCATTGACGTGGGGAGCCAGGATGAGACGGACCTCAGCACCTACGGGGACAGCCTGTCCG-3'
Protein context (NP_001159586.1, residues 1136-1156): ARSMGAKTVI[Ala1146Thr]IDVGSQDETD